The following is an entry in ClinVar:

NM_144997.7(FLCN):c.1375T>C (p.Ser459Pro)

Gene: FLCN (folliculin; minus strand). Cytogenetic location: 17p11.2.
Variant type: single nucleotide variant.
Coding change: c.1375T>C on transcript NM_144997.7 (MANE Select); coding-DNA position 1375, T replaced by C.
Protein change: p.Ser459Pro; replaces serine 459 with proline.
Molecular consequence: missense variant.
Genome position (GRCh38, 1-based): chr17:17,215,242, A>G on the plus strand (T>C on the coding strand, the complement: FLCN is on the minus strand). VCF-style: chr17-17215242-A-G. GRCh37 (hg19) VCF-style: chr17-17118556-A-G.
Other names: c.1429T>C, p.Ser477Pro (NM_001353229.2); c.1375T>C, p.Ser459Pro (NM_001353230.2, NM_001353231.2); short protein forms S459P, S477P.
Identifiers: ClinVar variation 1036498 (VCV001036498.5), dbSNP rs1229110607, ClinGen allele CA398531296.

ClinVar aggregate classification (germline): Uncertain significance (1 of 4 stars; one submission).

Conditions:
Birt-Hogg-Dube syndrome. Also called: Birt Hogg Dubé syndrome. Identifiers: Orphanet 122, MedGen C0346010, MONDO:0800444.

Submission:

Labcorp Genetics (formerly Invitae), Labcorp
Classification: Uncertain significance for Birt-Hogg-Dube syndrome. Last evaluated: 2025-07-30. Review status: criteria provided, single submitter. Criteria: Invitae Variant Classification Sherloc (09022015). Collection method: clinical testing. Allele origin: germline.
Comment: This sequence change replaces serine, which is neutral and polar, with proline, which is neutral and non-polar, at codon 459 of the FLCN protein (p.Ser459Pro). This variant is not present in population databases (gnomAD no frequency). This variant has not been reported in the literature in individuals affected with FLCN-related conditions. ClinVar contains an entry for this variant (Variation ID: 1036498). Invitae Evidence Modeling of protein sequence and biophysical properties (such as structural, functional, and spatial information, amino acid conservation, physicochemical variation, residue mobility, and thermodynamic stability) indicates that this missense variant is not expected to disrupt FLCN protein function with a negative predictive value of 80%. In summary, the available evidence is currently insufficient to determine the role of this variant in disease. Therefore, it has been classified as a Variant of Uncertain Significance.